The following is an entry in ClinVar:

ClinVar aggregate classification (germline): Uncertain significance. Review status: criteria provided, multiple submitters, no conflicts (2 of 4 stars). 3 submissions from 3 submitters: Uncertain significance (3). Last evaluated 2025-04-19.

Conditions:
Inborn genetic diseases. Identifiers: MedGen C0950123, MeSH D030342.

Allele frequency attached by ClinVar (database versions not stated): gnomAD exomes below 0.00001; ExAC 0.00001; gnomAD 0.00001; TOPMed 0.00001; 1000 Genomes Project 30x 0.00016; 1000 Genomes Project 0.00020.
gnomAD v4.1: 6 of 1,612,238 alleles (0.00037%); highest among the groups gnomAD compares: East Asian, 0.0089%; no homozygotes.

Submissions (3):

Ambry Genetics
Classification: Uncertain significance for Inborn genetic diseases. Last evaluated: 2025-04-19. Review status: criteria provided, single submitter. Criteria: Ambry Variant Classification Scheme 2023. Collection method: clinical testing. Allele origin: germline.

Labcorp Genetics (formerly Invitae), Labcorp
Classification: Uncertain significance. Last evaluated: 2022-05-05. Review status: criteria provided, single submitter. Criteria: Invitae Variant Classification Sherloc (09022015). Collection method: clinical testing. Allele origin: germline.
Comment: In summary, the available evidence is currently insufficient to determine the role of this variant in disease. Therefore, it has been classified as a Variant of Uncertain Significance. Algorithms developed to predict the effect of missense changes on protein structure and function (SIFT, PolyPhen-2, Align-GVGD) all suggest that this variant is likely to be tolerated. ClinVar contains an entry for this variant (Variation ID: 866883). This variant has not been reported in the literature in individuals affected with NRL-related conditions. This variant is present in population databases (rs535235550, gnomAD 0.01%). This sequence change replaces valine, which is neutral and non-polar, with glycine, which is neutral and non-polar, at codon 126 of the NRL protein (p.Val126Gly).

Blueprint Genetics
Classification: Uncertain significance. Last evaluated: 2017-06-12. Review status: criteria provided, single submitter. Criteria: ACMG Guidelines, 2015. Collection method: clinical testing. Allele origin: germline.

NM_001354768.3(NRL):c.377T>G (p.Val126Gly)

Gene: NRL (neural retina leucine zipper; minus strand). Cytogenetic location: 14q11.2.
Variant type: single nucleotide variant.
Coding change: c.377T>G on transcript NM_001354768.3 (MANE Select); coding-DNA position 377, T replaced by G.
Protein change: p.Val126Gly; replaces valine 126 with glycine.
Molecular consequence: missense variant. On other transcripts: intron variant (1).
Genome position (GRCh38, 1-based): chr14:24,082,472, A>C on the plus strand (T>G on the coding strand, the complement: NRL is on the minus strand). VCF-style: chr14-24082472-A-C. GRCh37 (hg19) VCF-style: chr14-24551681-A-C.
Other names: c.377T>G, p.Val126Gly (NM_001354769.1, NM_006177.5); c.66+311T>G (NM_001354770.2); short protein forms V126G.
Identifiers: ClinVar variation 866883 (VCV000866883.9), dbSNP rs535235550, ClinGen allele CA7122867.